The following is an entry in ClinVar:

ClinVar aggregate classification (germline): Conflicting classifications of pathogenicity. Review status: criteria provided, conflicting classifications (1 of 4 stars). 14 submissions from 14 submitters: Uncertain significance (10); Benign (1); Likely benign (2). 1 of the submissions does not count toward it. Last evaluated 2026-02-03.

Conditions:
PMS2-related disorder. Also called: PMS2-related condition.
Hereditary nonpolyposis colorectal neoplasms. Identifiers: MedGen C0009405, MeSH D003123.
Hereditary cancer-predisposing syndrome. Also called: Neoplastic Syndromes, Hereditary; Tumor predisposition; Hereditary Cancer Syndrome; Hereditary neoplastic syndrome. Identifiers: Orphanet 140162, MedGen C0027672, MeSH D009386, MONDO:0015356.
Lynch syndrome. Identifiers: Orphanet 144, MedGen C4552100, MONDO:0005835. Disease mechanism: loss of function.
Mismatch repair cancer syndrome 1 (MMRCS1). Also called: MISMATCH REPAIR DEFICIENCY; MMR DEFICIENCY; BRAIN TUMOR-POLYPOSIS SYNDROME 1; BTP1 SYNDROME; CHILDHOOD CANCER SYNDROME. Identifiers: Orphanet 252202, MedGen C5399763, MONDO:0010159, OMIM 276300. Disease mechanism: loss of function.
Lynch syndrome 4 (LYNCH4). Also called: Colorectal cancer, hereditary nonpolyposis, type 4; Hereditary non-polyposis colorectal cancer, type 4. Identifiers: Orphanet 144, MedGen C1838333, MONDO:0013699, OMIM 614337. Disease mechanism: loss of function.

Allele frequency attached by ClinVar (database versions not stated): ExAC 0.00006; gnomAD 0.00006 and 0.00007; gnomAD exomes 0.00006; TOPMed 0.00006; ESP Exome Variant Server 0.00008; 1000 Genomes Project 30x 0.00016; 1000 Genomes Project 0.00020.
gnomAD v4.1: 163 of 1,613,618 alleles (0.01%); highest among the groups gnomAD compares: Non-Finnish European, 0.013%; no homozygotes.

Submissions 1 to 9 of 14:

Labcorp Genetics (formerly Invitae), Labcorp
Classification: Benign for Hereditary nonpolyposis colorectal neoplasms. Last evaluated: 2026-02-03. Review status: criteria provided, single submitter. Criteria: Invitae Variant Classification Sherloc (09022015). Collection method: clinical testing. Allele origin: germline.

PreventionGenetics, part of Exact Sciences
Classification: Uncertain significance for PMS2-related condition. Last evaluated: 2025-11-05. Review status: criteria provided, single submitter. Criteria: ACMG Guidelines, 2015. Collection method: clinical testing. Allele origin: germline.
Comment: The PMS2 c.1937G>T variant is predicted to result in the amino acid substitution p.Arg646Met. To our knowledge, this variant has not been reported in the literature. This variant is reported in 0.012% of alleles in individuals of European (Non-Finnish) descent in gnomAD and has conflicting interpretations of pathogenicity in ClinVar ranging from uncertain significance to benign (Variation ID: 127768). At this time, the clinical significance of this variant is uncertain due to the absence of conclusive functional and genetic evidence.

Women's Health and Genetics/Laboratory Corporation of America, LabCorp
Classification: Likely benign. Last evaluated: 2025-11-03. Review status: criteria provided, single submitter. Criteria: LabCorp Variant Classification Summary - May 2015. Collection method: clinical testing. Allele origin: germline.
Comment: Variant summary: PMS2 c.1937G>T (p.Arg646Met) results in a non-conservative amino acid change in the encoded protein sequence. Algorithms developed to predict the effect of missense changes on protein structure and function are either unavailable or do not agree on the potential impact of this missense change. The variant allele was found at a frequency of 5.6e-05 in 251116 control chromosomes, predominantly at a frequency of 0.00012 within the Non-Finnish European subpopulation in the gnomAD database. The observed variant frequency within Non-Finnish European control individuals in the gnomAD database exceeds the estimated maximal expected allele frequency for disease-causing variants in PMS2. c.1937G>T has been observed in individual(s) affected with prostate-, breast-, renal-, and colorectal carcinoma (Mateo_2020, VanMarcke_2020, Smith_2021, Bhai_2021). However, this variant has also been found in controls (Dorling_2021). These report(s) do not provide unequivocal conclusions about association of the variant with Prostate Cancer or Lynch Syndrome. To our knowledge, no experimental evidence demonstrating an impact on protein function has been reported. The following publications have been ascertained in the context of this evaluation (PMID: 33471991, 31874108, 32830346, 32295625, 34326862). ClinVar contains an entry for this variant (Variation ID: 127768). Based on the evidence outlined above, the variant was classified as likely benign.

Quest Diagnostics Nichols Institute San Juan Capistrano
Classification: Uncertain significance. Last evaluated: 2025-08-07. Review status: criteria provided, single submitter. Criteria: Quest Diagnostics criteria. Collection method: clinical testing. Allele origin: unknown.
Comment: The PMS2 c.1937G>T (p.Arg646Met) variant has been reported in the published literature in an individual affected with colorectal cancer (PMID: 34326862 (2021)) as well as in a reportedly unaffected individual in a large scale breast cancer association study (PMID: 33471991 (2021), see also LOVD). This variant has also been reported as a somatic variant in an individual with breast cancer (PMID: 32295625 (2020)). The frequency of this variant in the general population (Genome Aggregation Database) is uninformative in the assessment of its pathogenicity. Analysis of this variant using bioinformatics tools for the prediction of the effect of amino acid changes on protein structure and function yielded conflicting predictions that this variant is benign or damaging. Based on the available information, we are unable to determine the clinical significance of this variant.

Center for Genomic Medicine, Rigshospitalet, Copenhagen University Hospital
Classification: Uncertain significance. Last evaluated: 2025-03-04. Review status: criteria provided, single submitter. Criteria: ACMG Guidelines, 2015. Collection method: clinical testing. Allele origin: germline.

Color Diagnostics, LLC DBA Color Health
Classification: Uncertain significance for Hereditary cancer-predisposing syndrome. Last evaluated: 2024-12-23. Review status: criteria provided, single submitter. Criteria: ACMG Guidelines, 2015. Collection method: clinical testing. Allele origin: germline.
Comment: This missense variant replaces arginine with methionine at codon 646 of the PMS2 protein. Computational prediction suggests that this variant may not impact protein structure and function (internally defined REVEL score threshold <= 0.5, PMID: 27666373). To our knowledge, functional studies have not been reported for this variant. This variant has been reported in individuals affected with uterine cancer (PMID: 29684080), breast/ovarian cancer (PMID: 32295625, 34359559), prostate cancer (PMID: 31874108), as well as a healthy control individual in a large breast cancer case-control study (PMID: 33471991). This variant has been identified in 163/1613618 chromosomes in the general population by the Genome Aggregation Database (gnomAD). The available evidence is insufficient to determine the role of this variant in disease conclusively. Therefore, this variant is classified as a Variant of Uncertain Significance.

Molecular Diagnostics Laboratory, Catalan Institute of Oncology
Classification: Uncertain significance for Hereditary cancer-predisposing syndrome. Last evaluated: 2024-09-18. Review status: criteria provided, single submitter. Criteria: MMR VCEP Paper Draft V3.1. Collection method: clinical testing. Allele origin: germline.
Comment: c.1937G>T, located in exon 11 of the PMS2 gene, is predicted to result in the substitution of arginine by methionine at codon 646, p.(Arg646Met). This variant is found in 16/268014 alleles at a frequency of 0.006% in the gnomAD v2.1.1 database, non-cancer dataset. Computational tools predict an indeterminate effect of the variant on protein function (MAPP+PolyPhen-2 prior probability for pathogenicity: 0.563). It has been reported in one out of 53461 healthy controls and none of the 60466 breast cancer-affected patients in a case-control study (PMID: 33471991) as well as in multiple cancer-affected patients (PMID:32295625, 34326862, 31874108, data from our internal cohort of patients). This variant has been reported in the ClinVar database (8x uncertain significance, 1x likely benign) and in LOVD (1x uncertain significance, 1 N/A), but it has not been classified by InSiGHT. Based on currently available information, the variant c.1937G>T should be considered an uncertain significance variant.

Genetic Services Laboratory, University of Chicago
Classification: Uncertain significance. Last evaluated: 2024-09-11. Review status: criteria provided, single submitter. Criteria: ACMG Guidelines, 2015. Collection method: clinical testing. Allele origin: germline. Affected: no.
Comment: DNA sequence analysis of the PMS2 gene demonstrated a sequence change, c.1937G>T, in exon 11 that results in an amino acid change, p.Arg646Met. This sequence change has been previously described in individuals with breast cancer, colorectal cancer, uterine cancer and/or kidney cancer (PMID: 32295625, 32830346, 29684080, 34326862). This sequence change has been described in the gnomAD database with a frequency of 0.013% in the European subpopulation (dbSNP rs372341850). The p.Arg646Met change affects a moderately conserved amino acid residue located in a domain of the PMS2 protein that is not known to be functional. In-silico pathogenicity prediction tools (SIFT, PolyPhen2, Align GVGD, REVEL) provide contradictory results for the p.Arg646Met substitution. Due to insufficient evidences and the lack of functional studies, the clinical significance of the p.Arg646Met change remains unknown at this time.

Molecular Pathology, Peter Maccallum Cancer Centre
Classification: Uncertain significance for Lynch syndrome 4. Last evaluated: 2024-06-23. Review status: criteria provided, single submitter. Criteria: ACMG Guidelines, 2015. Collection method: clinical testing. Allele origin: germline. Inheritance: Autosomal dominant inheritance.

NM_000535.7(PMS2):c.1937G>T (p.Arg646Met)

Gene: PMS2 (PMS1 homolog 2, mismatch repair system component; minus strand). Cytogenetic location: 7p22.1.
Variant type: single nucleotide variant.
Coding change: c.1937G>T on transcript NM_000535.7 (MANE Select); coding-DNA position 1937, G replaced by T.
Protein change: p.Arg646Met; replaces arginine 646 with methionine.
Molecular consequence: missense variant. On other transcripts: non-coding transcript variant (1).
Genome position (GRCh38, 1-based): chr7:5,986,828, C>A on the plus strand (G>T on the coding strand, the complement: PMS2 is on the minus strand). VCF-style: chr7-5986828-C-A. GRCh37 (hg19) VCF-style: chr7-6026459-C-A.
Other names: c.1532G>T, p.Arg511Met (NM_001322003.2, NM_001322004.2, NM_001322005.2 and 1 more transcripts); c.1781G>T, p.Arg594Met (NM_001322006.2); c.1619G>T, p.Arg540Met (NM_001322007.2, NM_001322008.2); c.1376G>T, p.Arg459Met (NM_001322010.2); c.1004G>T, p.Arg335Met (NM_001322011.2, NM_001322012.2); c.1364G>T, p.Arg455Met (NM_001322013.2); c.1937G>T, p.Arg646Met (NM_001322014.2); c.1628G>T, p.Arg543Met (NM_001322015.2); short protein forms R646M, R335M, R455M, R543M, R459M, R540M, R594M, R511M.
Identifiers: ClinVar variation 127768 (VCV000127768.50), dbSNP rs372341850, ClinGen allele CA010512.
Genomic context (GRCh38, chr7:5,986,828, plus strand): 5'-TTTCTTAGTTCATCTTCGGCTGCTTGATTTTCTCCAGGACAAATCTTTGCCCTAAACTTC[C>A]TGTAATTCTGTTCCCCTTCACTTTGCTGTGCTTCATGATGTAACTGCTTTATTCGTTTAG-3'
Protein context (NP_000526.2, residues 636-656): AQQSEGEQNY[Arg646Met]KFRAKICPGE